The following is an entry in ClinVar:

ClinVar aggregate classification (germline): Uncertain significance. Review status: criteria provided, multiple submitters, no conflicts (2 of 4 stars). 3 submissions from 3 submitters: Uncertain significance (3). Last evaluated 2026-04-14.

Conditions:
Low phospholipid associated cholelithiasis (GBD1). Also called: Gallstone cholecystitis; Gallbladder disease 1. Identifiers: Orphanet 69663, MedGen C2609268, MONDO:0010939, OMIM 600803.

Allele frequency attached by ClinVar (database versions not stated): gnomAD exomes below 0.00001 and 0.00001; gnomAD 0.00001; TOPMed 0.00003.
gnomAD v4.1: 6 of 1,608,280 alleles (0.00037%); highest among the groups gnomAD compares: Non-Finnish European, 0.00025%; no homozygotes.

Submissions (3):

Genomenon, Inc
Classification: Uncertain significance for Low phospholipid associated cholelithiasis. Last evaluated: 2026-04-14. Review status: criteria provided, single submitter. Criteria: Genomenon Sequence Variant Interpretation Standards - Updated. Collection method: curation. Allele origin: germline. Affected: yes.
Comment: ABCB4 p.Asp355Asn (c.1063G>A) is a missense variant that changes the amino acid at residue 355 from Aspartic acid to Asparagine. This variant has been observed in at least one proband with an ABCB4-related disorder (PMID:32650689). It is absent or not present at a significant frequency in gnomAD. In conclusion, we classify ABCB4 p.Asp355Asn (c.1063G>A) as a variant of uncertain significance.

Women's Health and Genetics/Laboratory Corporation of America, LabCorp
Classification: Uncertain significance. Last evaluated: 2024-04-03. Review status: criteria provided, single submitter. Criteria: LabCorp Variant Classification Summary - May 2015. Collection method: clinical testing. Allele origin: germline.
Comment: Variant summary: ABCB4 c.1063G>A (p.Asp355Asn) results in a conservative amino acid change located in the ABC transporter type 1, transmembrane domain (IPR011527) of the encoded protein sequence. Three of five in-silico tools predict a benign effect of the variant on protein function. The variant allele was found at a frequency of 8.1e-06 in 245948 control chromosomes. The available data on variant occurrences in the general population are insufficient to allow any conclusion about variant significance. c.1063G>A has been reported in the literature in individuals affected with Familial Intrahepatic Cholestasis (Gouveia_2020). These report(s) do not provide unequivocal conclusions about association of the variant with Familial Intrahepatic Cholestasis. To our knowledge, no experimental evidence demonstrating an impact on protein function has been reported. The following publication have been ascertained in the context of this evaluation (PMID: 32650689). ClinVar contains an entry for this variant (Variation ID: 596262). Based on the evidence outlined above, the variant was classified as uncertain significance.

Eurofins Ntd Llc (ga)
Classification: Uncertain significance. Last evaluated: 2018-02-22. Review status: criteria provided, single submitter. Criteria: EGL ClinVar v180209 classification definitions. Collection method: clinical testing. Allele origin: germline. Observed: 1 variant allele, 1 heterozygote.

Literature cited by the submitters: PubMed 32650689 (cited by Genomenon, Inc and Women's Health and Genetics/Laboratory Corporation of America, LabCorp).

NM_000443.4(ABCB4):c.1063G>A (p.Asp355Asn)

Gene: ABCB4 (ATP binding cassette subfamily B member 4; minus strand). Cytogenetic location: 7q21.12.
Variant type: single nucleotide variant.
Coding change: c.1063G>A on transcript NM_000443.4 (MANE Select); coding-DNA position 1063, G replaced by A.
Protein change: p.Asp355Asn; replaces aspartic acid 355 with asparagine.
Molecular consequence: missense variant.
Genome position (GRCh38, 1-based): chr7:87,444,918, C>T on the plus strand (G>A on the coding strand, the complement: ABCB4 is on the minus strand). VCF-style: chr7-87444918-C-T. GRCh37 (hg19) VCF-style: chr7-87074234-C-T.
Other names: c.1063G>A, p.Asp355Asn (NM_018849.3, NM_018850.3); short protein forms D355N.
Identifiers: ClinVar variation 596262 (VCV000596262.7), dbSNP rs1216385209, ClinGen allele CA368048012.